The following is an entry in ClinVar:

ClinVar aggregate classification (germline): Likely pathogenic (1 of 4 stars; one submission).

Conditions:
Cardiovascular phenotype. Identifiers: MedGen CN230736.

Submission:

Ambry Genetics
Classification: Likely pathogenic for Cardiovascular phenotype. Last evaluated: 2013-07-26. Review status: criteria provided, single submitter. Criteria: Ambry Autosomal Dominant and X-Linked criteria (10/2015). Collection method: clinical testing. Allele origin: germline. Observed: 1 variant allele.
Comment: Ã¢â‚¬â€¹The c.2728+2T>C intronic variant results from a T to C substitution two nucleotides after coding exon 22 of the FBN1 gene. This variant was not reported in population-based cohorts in the following databases: Database of Single Nucleotide Polymorphisms (dbSNP), NHLBI Exome Sequencing Project (ESP) and 1000 Genomes Project. Based on nucleotide sequence alignment, this position is highly conserved in available vertebrate species. Using the BDGP and ESEfinder splice site prediction tools, this alteration is predicted to abolish the native splice donor splice site; however, direct evidence is unavailable. Alterations that disrupt the canonical splice donor site are typically deleterious in nature (ACMG Recommendations for Standards for Interpretation and Reporting of Sequence Variations. Revision 2007. Genet Med. 2008;10:294). As such, the c.2728+2T>C variant is classified as likely pathogenic.

NM_000138.5(FBN1):c.2728+2T>C

Gene: FBN1 (fibrillin 1; minus strand). Cytogenetic location: 15q21.1.
Variant type: single nucleotide variant.
Coding change: c.2728+2T>C on transcript NM_000138.5 (MANE Select); the canonical splice donor site of the intron after coding-DNA position 2728, T replaced by C.
Molecular consequence: splice donor variant.
Genome position (GRCh38, 1-based): chr15:48,494,202, A>G on the plus strand (T>C on the coding strand, the complement: FBN1 is on the minus strand). VCF-style: chr15-48494202-A-G. GRCh37 (hg19) VCF-style: chr15-48786399-A-G.
Other names: c.2728+2T>C (NM_001406716.1).
Identifiers: ClinVar variation 263694 (VCV000263694.3), dbSNP rs886038898, ClinGen allele CA10587843.